The following is an entry in ClinVar:

NM_006231.4(POLE):c.2284C>T (p.Arg762Trp)

Gene: POLE (DNA polymerase epsilon, catalytic subunit; minus strand). Cytogenetic location: 12q24.33.
Variant type: single nucleotide variant.
Coding change: c.2284C>T on transcript NM_006231.4 (MANE Select); coding-DNA position 2284, C replaced by T.
Protein change: p.Arg762Trp; replaces arginine 762 with tryptophan.
Molecular consequence: missense variant.
Genome position (GRCh38, 1-based): chr12:132,667,538, G>A on the plus strand (C>T on the coding strand, the complement: POLE is on the minus strand). VCF-style: chr12-132667538-G-A. GRCh37 (hg19) VCF-style: chr12-133244124-G-A.
Other names: short protein forms R762W.
Identifiers: ClinVar variation 420873 (VCV000420873.12), dbSNP rs1064794759, ClinGen allele CA16619471.

ClinVar aggregate classification (germline): Uncertain significance. Review status: criteria provided, multiple submitters, no conflicts (2 of 4 stars). 3 submissions from 3 submitters: Uncertain significance (3). Last evaluated 2025-11-23.

Conditions:
Hereditary cancer-predisposing syndrome. Also called: Hereditary neoplastic syndrome; Tumor predisposition; Neoplastic Syndromes, Hereditary; Hereditary Cancer Syndrome. Identifiers: Orphanet 140162, MedGen C0027672, MeSH D009386, MONDO:0015356.

Allele frequency attached by ClinVar (database versions not stated): gnomAD exomes 0.00001.
gnomAD v4.1: 7 of 1,613,882 alleles (0.00043%); highest among the groups gnomAD compares: South Asian, 0.0011%; no homozygotes.

Submissions (3):

Labcorp Genetics (formerly Invitae), Labcorp
Classification: Uncertain significance. Last evaluated: 2025-11-23. Review status: criteria provided, single submitter. Criteria: Invitae Variant Classification Sherloc (09022015). Collection method: clinical testing. Allele origin: germline.
Comment: This sequence change replaces arginine, which is basic and polar, with tryptophan, which is neutral and slightly polar, at codon 762 of the POLE protein (p.Arg762Trp). This variant is present in population databases (no rsID available, gnomAD 0.003%). This variant has not been reported in the literature in individuals affected with POLE-related conditions. ClinVar contains an entry for this variant (Variation ID: 420873). Invitae Evidence Modeling of protein sequence and biophysical properties (such as structural, functional, and spatial information, amino acid conservation, physicochemical variation, residue mobility, and thermodynamic stability) indicates that this missense variant is expected to disrupt POLE protein function with a positive predictive value of 80%. In summary, the available evidence is currently insufficient to determine the role of this variant in disease. Therefore, it has been classified as a Variant of Uncertain Significance.

Ambry Genetics
Classification: Uncertain significance for Hereditary cancer-predisposing syndrome. Last evaluated: 2025-03-07. Review status: criteria provided, single submitter. Criteria: Ambry Variant Classification Scheme 2023. Collection method: clinical testing. Allele origin: germline.
Comment: The p.R762W variant (also known as c.2284C>T), located in coding exon 20 of the POLE gene, results from a C to T substitution at nucleotide position 2284. The arginine at codon 762 is replaced by tryptophan, an amino acid with dissimilar properties. This amino acid position is highly conserved in available vertebrate species. In addition, the in silico prediction for this alteration is inconclusive. Based on the available evidence, the clinical significance of this variant remains unclear.

GeneDx
Classification: Uncertain significance. Last evaluated: 2022-06-13. Review status: criteria provided, single submitter. Criteria: GeneDx Variant Classification Process June 2021. Collection method: clinical testing. Allele origin: germline. Affected: yes.
Comment: Not observed at significant frequency in large population cohorts (gnomAD); In silico analysis supports that this missense variant has a deleterious effect on protein structure/function; Published functional study demonstrates no damaging effect on mutation rate (Barbari 2018); Observed in an individual with hepatocellular carcinoma (Ang 2019); This variant is associated with the following publications: (PMID: 23263490, 22810696, 29352080, 31258846)